The following is an entry in ClinVar:

NM_001276345.2(TNNT2):c.593T>C (p.Ile198Thr)

Gene: TNNT2 (troponin T2, cardiac type; minus strand). Cytogenetic location: 1q32.1.
Variant type: single nucleotide variant.
Coding change: c.593T>C on transcript NM_001276345.2 (MANE Select); coding-DNA position 593, T replaced by C.
Protein change: p.Ile198Thr; replaces isoleucine 198 with threonine.
Molecular consequence: missense variant.
Genome position (GRCh38, 1-based): chr1:201,363,303, A>G on the plus strand (T>C on the coding strand, the complement: TNNT2 is on the minus strand). VCF-style: chr1-201363303-A-G. GRCh37 (hg19) VCF-style: chr1-201332431-A-G.
Other names: c.593T>C, p.Ile198Thr (NM_000364.4); c.563T>C, p.Ile188Thr (NM_001001430.3, NM_001001431.3, NM_001276347.2); c.548T>C, p.Ile183Thr (NM_001001432.3); c.473T>C, p.Ile158Thr (NM_001276346.2); short protein forms I188T, I198T, I158T, I183T.
Identifiers: ClinVar variation 238203 (VCV000238203.11), dbSNP rs878854148, ClinGen allele CA10581762.

ClinVar aggregate classification (germline): Uncertain significance. Review status: criteria provided, multiple submitters, no conflicts (2 of 4 stars). 5 submissions from 3 submitters: Uncertain significance (5). Last evaluated 2023-04-11.

Conditions:
Hypertrophic cardiomyopathy 2. Also called: TNNT2-Related Familial Hypertrophic Cardiomyopathy. Identifiers: MedGen C1861864, MONDO:0007266, OMIM 115195.
Dilated cardiomyopathy 1D. Identifiers: Orphanet 154, Orphanet 54260, MedGen C1832243, MONDO:0011095, OMIM 601494.
Cardiomyopathy, familial restrictive, 3. Identifiers: Orphanet 75249, MedGen C2676271, MONDO:0012900, OMIM 612422.

Submissions (5):

Genome-Nilou Lab
Classification: Uncertain significance for Dilated cardiomyopathy 1D. Last evaluated: 2023-04-11. Review status: criteria provided, single submitter. Criteria: ACMG Guidelines, 2015. Collection method: clinical testing. Allele origin: germline. Affected: no.

Genome-Nilou Lab
Classification: Uncertain significance for Cardiomyopathy, familial restrictive, 3. Last evaluated: 2023-04-11. Review status: criteria provided, single submitter. Criteria: ACMG Guidelines, 2015. Collection method: clinical testing. Allele origin: germline. Affected: no.

Genome-Nilou Lab
Classification: Uncertain significance for Hypertrophic cardiomyopathy 2. Last evaluated: 2023-04-11. Review status: criteria provided, single submitter. Criteria: ACMG Guidelines, 2015. Collection method: clinical testing. Allele origin: germline. Affected: no.

GeneDx
Classification: Uncertain significance. Last evaluated: 2020-05-18. Review status: criteria provided, single submitter. Criteria: GeneDx Variant Classification Process June 2021. Collection method: clinical testing. Allele origin: germline. Affected: yes.
Comment: Not observed in large population cohorts (Lek et al., 2016); In silico analysis supports that this missense variant has a deleterious effect on protein structure/function; Has not been previously published as pathogenic or benign to our knowledge

Labcorp Genetics (formerly Invitae), Labcorp
Classification: Uncertain significance for Cardiomyopathy, familial restrictive, 3; Hypertrophic cardiomyopathy 2; Dilated cardiomyopathy 1D. Last evaluated: 2016-12-05. Review status: criteria provided, single submitter. Criteria: Invitae Variant Classification Sherloc (09022015). Collection method: clinical testing. Allele origin: germline.
Comment: In summary, this is a novel missense change with uncertain impact on protein function. It has been classified as a Variant of Uncertain Significance. Algorithms developed to predict the effect of missense changes on protein structure and function do not agree on the potential impact of this missense change (SIFT: "Tolerated"; PolyPhen-2: "Possibly Damaging"; Align-GVGD: "Class C0"). This variant is not present in population databases (ExAC no frequency) and has not been reported in the literature in individuals with a TNNT2-related disease. This sequence change replaces isoleucine with threonine at codon 188 of the TNNT2 protein (p.Ile188Thr). The isoleucine residue is weakly conserved and there is a moderate physicochemical difference between isoleucine and threonine.